The following is an entry in ClinVar:

NM_002485.5(NBN):c.796C>G (p.Pro266Ala)

Gene: NBN (nibrin; minus strand). Cytogenetic location: 8q21.3.
Variant type: single nucleotide variant.
Coding change: c.796C>G on transcript NM_002485.5 (MANE Select); coding-DNA position 796, C replaced by G.
Protein change: p.Pro266Ala; replaces proline 266 with alanine.
Molecular consequence: missense variant.
Genome position (GRCh38, 1-based): chr8:89,970,464, G>C on the plus strand (C>G on the coding strand, the complement: NBN is on the minus strand). VCF-style: chr8-89970464-G-C. GRCh37 (hg19) VCF-style: chr8-90982692-G-C.
Other names: c.550C>G, p.Pro184Ala (NM_001024688.3); short protein forms P266A, P184A.
Identifiers: ClinVar variation 490062 (VCV000490062.13), dbSNP rs762956906, ClinGen allele CA4802885.

ClinVar aggregate classification (germline): Uncertain significance. Review status: criteria provided, multiple submitters, no conflicts (2 of 4 stars). 3 submissions from 3 submitters: Uncertain significance (3). Last evaluated 2024-01-29.

Conditions:
Microcephaly, normal intelligence and immunodeficiency (NBS). Also called: BERLIN BREAKAGE SYNDROME; Ataxia telangiectasia variant V1; IMMUNODEFICIENCY, MICROCEPHALY, AND CHROMOSOMAL INSTABILITY; SEEMANOVA SYNDROME II; Immunodeficiency, microcephaly with normal intelligence; Nijmegen breakage syndrome. Identifiers: Orphanet 647, MedGen C0398791, MONDO:0009623, OMIM 251260.
Hereditary cancer-predisposing syndrome. Also called: Tumor predisposition; Neoplastic Syndromes, Hereditary; Hereditary Cancer Syndrome; Hereditary neoplastic syndrome. Identifiers: Orphanet 140162, MedGen C0027672, MeSH D009386, MONDO:0015356.

Allele frequency attached by ClinVar (database versions not stated): gnomAD exomes below 0.00001; ExAC 0.00001.
gnomAD v4.1: 2 of 1,613,940 alleles (0.00012%); highest among the groups gnomAD compares: South Asian, 0.0022%; no homozygotes.

Submissions (3):

Ambry Genetics
Classification: Uncertain significance for Hereditary cancer-predisposing syndrome. Last evaluated: 2024-01-29. Review status: criteria provided, single submitter. Criteria: Ambry Variant Classification Scheme 2023. Collection method: clinical testing. Allele origin: germline.
Comment: The p.P266A variant (also known as c.796C>G), located in coding exon 7 of the NBN gene, results from a C to G substitution at nucleotide position 796. The proline at codon 266 is replaced by alanine, an amino acid with highly similar properties. This amino acid position is highly conserved in available vertebrate species. In addition, this alteration is predicted to be tolerated by in silico analysis. Since supporting evidence is limited at this time, the clinical significance of this alteration remains unclear.

Labcorp Genetics (formerly Invitae), Labcorp
Classification: Uncertain significance for Microcephaly, normal intelligence and immunodeficiency. Last evaluated: 2022-10-16. Review status: criteria provided, single submitter. Criteria: Invitae Variant Classification Sherloc (09022015). Collection method: clinical testing. Allele origin: germline.
Comment: This sequence change replaces proline, which is neutral and non-polar, with alanine, which is neutral and non-polar, at codon 266 of the NBN protein (p.Pro266Ala). This variant is present in population databases (rs762956906, gnomAD 0.003%). This variant has not been reported in the literature in individuals affected with NBN-related conditions. ClinVar contains an entry for this variant (Variation ID: 490062). Algorithms developed to predict the effect of missense changes on protein structure and function (SIFT, PolyPhen-2, Align-GVGD) all suggest that this variant is likely to be tolerated. In summary, the available evidence is currently insufficient to determine the role of this variant in disease. Therefore, it has been classified as a Variant of Uncertain Significance.

Genome-Nilou Lab
Classification: Uncertain significance for Microcephaly, normal intelligence and immunodeficiency. Last evaluated: 2021-11-07. Review status: criteria provided, single submitter. Criteria: ACMG Guidelines, 2015. Collection method: clinical testing. Allele origin: germline. Affected: no.